The following is an entry in ClinVar:

NM_001261826.3(AP3D1):c.1483C>G (p.His495Asp)

Gene: AP3D1 (adaptor related protein complex 3 subunit delta 1; minus strand). Cytogenetic location: 19p13.3.
Variant type: single nucleotide variant.
Coding change: c.1483C>G on transcript NM_001261826.3 (MANE Select); coding-DNA position 1483, C replaced by G.
Protein change: p.His495Asp; replaces histidine 495 with aspartic acid.
Molecular consequence: missense variant.
Genome position (GRCh38, 1-based): chr19:2,118,831, G>C on the plus strand (C>G on the coding strand, the complement: AP3D1 is on the minus strand). VCF-style: chr19-2118831-G-C. GRCh37 (hg19) VCF-style: chr19-2118830-G-C.
Other names: p.His495Asp; c.1483C>G, p.His495Asp (NM_001374799.1, NM_003938.8); short protein forms H495D.
Identifiers: ClinVar variation 2983565 (VCV002983565.4), dbSNP rs766047908, ClinGen allele CA9059288.

ClinVar aggregate classification (germline): Uncertain significance. Review status: criteria provided, multiple submitters, no conflicts (2 of 4 stars). 2 submissions from 2 submitters: Uncertain significance (2). Last evaluated 2024-09-05.

Allele frequency attached by ClinVar (database versions not stated): gnomAD 0.00001; gnomAD exomes 0.00001; TOPMed 0.00003; ExAC 0.00004.
gnomAD v4.1: 7 of 1,612,528 alleles (0.00043%); highest among the groups gnomAD compares: Admixed American, 0.012%; no homozygotes.

Submissions (2):

Mayo Clinic Laboratories, Mayo Clinic
Classification: Uncertain significance. Last evaluated: 2024-09-05. Review status: criteria provided, single submitter. Criteria: ACMG Guidelines, 2015. Collection method: clinical testing. Allele origin: germline. Observed: 1 variant allele.

Labcorp Genetics (formerly Invitae), Labcorp
Classification: Uncertain significance. Last evaluated: 2024-05-06. Review status: criteria provided, single submitter. Criteria: Invitae Variant Classification Sherloc (09022015). Collection method: clinical testing. Allele origin: germline.
Comment: This sequence change replaces histidine, which is basic and polar, with aspartic acid, which is acidic and polar, at codon 495 of the AP3D1 protein (p.His495Asp). This variant is present in population databases (rs766047908, gnomAD 0.02%). This variant has not been reported in the literature in individuals affected with AP3D1-related conditions. An algorithm developed to predict the effect of missense changes on protein structure and function (PolyPhen-2) suggests that this variant is likely to be tolerated. In summary, the available evidence is currently insufficient to determine the role of this variant in disease. Therefore, it has been classified as a Variant of Uncertain Significance.